The following is an entry in ClinVar:

ClinVar aggregate classification (germline): Pathogenic/Likely pathogenic. Review status: criteria provided, multiple submitters, no conflicts (2 of 4 stars). 4 submissions from 4 submitters: Pathogenic (3); Likely pathogenic (1). Last evaluated 2025-06-23.

Conditions:
Hereditary cancer-predisposing syndrome. Also called: Neoplastic Syndromes, Hereditary; Hereditary neoplastic syndrome; Tumor predisposition; Hereditary Cancer Syndrome. Identifiers: Orphanet 140162, MedGen C0027672, MeSH D009386, MONDO:0015356.
Familial cancer of breast. Also called: BREAST CANCER, FAMILIAL; hereditary breast carcinoma; Hereditary breast cancer. Identifiers: Orphanet 227535, MedGen C0346153, MONDO:0016419, OMIM 114480. Disease mechanism: loss of function.
Ataxia-telangiectasia syndrome (AT). Also called: Cerebello-oculocutaneous telangiectasia; Immunodeficiency with ataxia telangiectasia; ATAXIA-TELANGIECTASIA, FRESNO VARIANT; Ataxia-telangiectasia, complementation group D; Ataxia telangiectasia (A-T); LOUIS-BAR SYNDROME. Identifiers: Orphanet 100, MedGen C0004135, MONDO:0008840, OMIM 208900.

Submissions (4):

Ambry Genetics
Classification: Pathogenic for Hereditary cancer-predisposing syndrome. Last evaluated: 2025-06-23. Review status: criteria provided, single submitter. Criteria: Ambry Variant Classification Scheme 2023. Collection method: clinical testing. Allele origin: germline.
Comment: The c.3758_3759delAG pathogenic mutation, located in coding exon 25 of the ATM gene, results from a deletion of two nucleotides at nucleotide positions 3758 to 3759, causing a translational frameshift with a predicted alternate stop codon (p.K1253Sfs*9). This variant is considered to be rare based on population cohorts in the Genome Aggregation Database (gnomAD). This alteration is expected to result in loss of function by premature protein truncation or nonsense-mediated mRNA decay. As such, this alteration is interpreted as a disease-causing mutation.

Labcorp Genetics (formerly Invitae), Labcorp
Classification: Pathogenic for Ataxia-telangiectasia syndrome. Last evaluated: 2025-03-22. Review status: criteria provided, single submitter. Criteria: Invitae Variant Classification Sherloc (09022015). Collection method: clinical testing. Allele origin: germline.
Comment: This sequence change creates a premature translational stop signal (p.Lys1253Serfs*9) in the ATM gene. It is expected to result in an absent or disrupted protein product. Loss-of-function variants in ATM are known to be pathogenic (PMID: 23807571, 25614872). This variant is not present in population databases (gnomAD no frequency). This variant has not been reported in the literature in individuals affected with ATM-related conditions. ClinVar contains an entry for this variant (Variation ID: 1074850). For these reasons, this variant has been classified as Pathogenic.

Natera, Inc.
Classification: Likely pathogenic for Ataxia-telangiectasia. Last evaluated: 2025-03-09. Review status: criteria provided, single submitter. Criteria: Natera Variant Classification Schema (03/2026). Collection method: clinical testing. Allele origin: germline.
Comment: The c.3758_3759del variant in ATM is a frameshift variant predicted to shift the reading frame beginning at codon 1253 and leads to a stop codon 9 codons downstream. This variant is expected to result in nonsense mediated decay, truncation, or a dysfunctional protein product. This variant is rare in the general population with a frequency below the threshold expected for the associated phenotype(s). Given the available evidence, this variant is classified as Likely Pathogenic.

Myriad Genetics, Inc.
Classification: Pathogenic for Familial cancer of breast. Last evaluated: 2024-01-23. Review status: criteria provided, single submitter. Criteria: Myriad Autosomal Dominant, Autosomal Recessive and X-Linked Classification Criteria (2023). Collection method: clinical testing. Allele origin: unknown.
Comment: This variant is considered pathogenic. This variant creates a frameshift predicted to result in premature protein truncation.

Literature cited by the submitters: PubMed 23807571 (cited by Labcorp Genetics (formerly Invitae), Labcorp); PubMed 25614872 (cited by Labcorp Genetics (formerly Invitae), Labcorp).

NM_000051.4(ATM):c.3758_3759del (p.Lys1253fs)

Gene: ATM (ATM serine/threonine kinase; plus strand). Cytogenetic location: 11q22.3.
Variant type: Deletion.
Coding change: c.3758_3759del on transcript NM_000051.4 (MANE Select); coding-DNA positions 3758 to 3759, 2 bases deleted (AG; older notation c.3758_3759delAG).
Protein change: p.Lys1253fs; shifts the reading frame from lysine 1253.
Molecular consequence: frameshift variant.
Genome position (GRCh38, 1-based): chr11:108,284,238-108,284,239, AG deleted. VCF-style (leftmost placement, unchanged base first): chr11-108284237-AAG-A. GRCh37 (hg19) VCF-style: chr11-108154964-AAG-A.
Other names: c.3758_3759delAG (NM_000051.3); c.3758_3759del, p.Lys1253fs (NM_001351834.2); c.3758_3759del (NM_000051.3); short protein forms K1253fs.
Identifiers: ClinVar variation 1074850 (VCV001074850.12), dbSNP rs2135704536, ClinGen allele CA2499220624.